The following is an entry in ClinVar:

NM_002230.4(JUP):c.162G>C (p.Thr54=)

Gene: JUP (junction plakoglobin; minus strand). Cytogenetic location: 17q21.2.
Variant type: single nucleotide variant.
Coding change: c.162G>C on transcript NM_002230.4 (MANE Select); coding-DNA position 162, G replaced by C.
Protein change: p.Thr54=; no amino-acid change (threonine 54 retained).
Molecular consequence: synonymous variant.
Genome position (GRCh38, 1-based): chr17:41,771,693, C>G on the plus strand (G>C on the coding strand, the complement: JUP is on the minus strand). VCF-style: chr17-41771693-C-G. GRCh37 (hg19) VCF-style: chr17-39927945-C-G.
Other names: c.162G>C, p.Thr54= (NM_001352773.2, NM_001352774.2, NM_001352775.2 and 3 more transcripts).
Identifiers: ClinVar variation 668475 (VCV000668475.12), dbSNP rs377681053, ClinGen allele CA8565567.

ClinVar aggregate classification (germline): Likely benign. Review status: criteria provided, multiple submitters, no conflicts (2 of 4 stars). 4 submissions from 4 submitters: Likely benign (4). Last evaluated 2026-01-10.

Conditions:
Cardiovascular phenotype. Identifiers: MedGen CN230736.
Naxos disease (NXD). Also called: CARDIOMYOPATHY, ARRHYTHMOGENIC RIGHT VENTRICULAR, WITH SKIN, HAIR, AND NAIL ABNORMALITIES; KERATOSIS PALMOPLANTARIS WITH ARRHYTHMOGENIC CARDIOMYOPATHY; MAL DE NAXOS; PALMOPLANTAR KERATODERMA WITH ARRHYTHMOGENIC RIGHT VENTRICULAR CARDIOMYOPATHY AND WOOLLY HAIR; WOOLLY HAIR, PALMOPLANTAR KERATODERMA, AND CARDIAC ABNORMALITIES. Identifiers: Orphanet 34217, MedGen C1832600, MONDO:0011017, OMIM 601214.
Arrhythmogenic right ventricular dysplasia 12. Also called: ARRHYTHMOGENIC RIGHT VENTRICULAR DYSPLASIA, FAMILIAL, 12. Identifiers: MedGen C1969081, MONDO:0012684, OMIM 611528.

Allele frequency attached by ClinVar (database versions not stated): gnomAD exomes 0.00001; ExAC 0.00002; gnomAD 0.00004; TOPMed 0.00004; ESP Exome Variant Server 0.00008.
gnomAD v4.1: 9 of 1,613,950 alleles (0.00056%); highest among the groups gnomAD compares: African/African-American, 0.012%; no homozygotes.

Submissions (4):

Ambry Genetics
Classification: Likely benign for Cardiovascular phenotype. Last evaluated: 2026-01-10. Review status: criteria provided, single submitter. Criteria: Ambry Variant Classification Scheme 2023. Collection method: clinical testing. Allele origin: germline.

Labcorp Genetics (formerly Invitae), Labcorp
Classification: Likely benign for Arrhythmogenic right ventricular dysplasia 12; Naxos disease. Last evaluated: 2025-10-17. Review status: criteria provided, single submitter. Criteria: Invitae Variant Classification Sherloc (09022015). Collection method: clinical testing. Allele origin: germline.

ARUP Laboratories, Molecular Genetics and Genomics, ARUP Laboratories
Classification: Likely benign. Last evaluated: 2024-08-21. Review status: criteria provided, single submitter. Criteria: ARUP Molecular Germline Variant Investigation Process 2024. Collection method: clinical testing. Allele origin: germline.

GeneDx
Classification: Likely benign. Last evaluated: 2018-05-22. Review status: criteria provided, single submitter. Criteria: GeneDx Variant Classification (06012015). Collection method: clinical testing. Allele origin: germline. Affected: yes.
Comment: This variant is considered likely benign or benign based on one or more of the following criteria: it is a conservative change, it occurs at a poorly conserved position in the protein, it is predicted to be benign by multiple in silico algorithms, and/or has population frequency not consistent with disease.